The following is an entry in ClinVar:

NM_015443.4(KANSL1):c.2966C>G (p.Pro989Arg)

Gene: KANSL1 (KAT8 regulatory NSL complex subunit 1). Cytogenetic location: 17q21.31.
Variant type: single nucleotide variant.
Coding change: c.2966C>G on transcript NM_015443.4 (MANE Select); coding-DNA position 2966, C replaced by G.
Protein change: p.Pro989Arg; replaces proline 989 with arginine.
Molecular consequence: missense variant.
Genome position (GRCh38, 1-based): chr17:46,032,171, G>C on the plus strand (C>G on the coding strand, the complement: KANSL1 is on the minus strand). VCF-style: chr17-46032171-G-C. GRCh37 (hg19) VCF-style: chr17-44109537-G-C.
Other names: c.2963C>G, p.Pro988Arg (NM_001405856.1, NM_001405857.1, NM_001405858.1 and 1 more transcripts); c.2864C>G, p.Pro955Arg (NM_001405859.1, NM_001405860.1); c.2861C>G, p.Pro954Arg (NM_001405861.1); c.2777C>G, p.Pro926Arg (NM_001405875.1, NM_001405876.1, NM_001405877.1 and 1 more transcripts); c.2966C>G (NM_001193466.1); c.2966C>G, p.Pro989Arg (NM_001193466.2, NM_001379198.1, NM_001405854.1 and 1 more transcripts); c.2774C>G, p.Pro925Arg (NM_001405879.1, NM_001405880.1); c.1700C>G, p.Pro567Arg (NM_001405882.1); and 3 more; short protein forms P504R, P955R, P988R, P566R, P926R, P503R, P925R, P954R.
Identifiers: ClinVar variation 1969011 (VCV001969011.6), dbSNP rs2510369125, ClinGen allele CA399986840.

ClinVar aggregate classification (germline): Uncertain significance. Review status: criteria provided, multiple submitters, no conflicts (2 of 4 stars). 2 submissions from 2 submitters: Uncertain significance (2). Last evaluated 2026-01-09.

Conditions:
Inborn genetic diseases. Identifiers: MedGen C0950123, MeSH D030342.
Koolen-de Vries syndrome (KDVS). Identifiers: Orphanet 96169, MedGen C1864871, MONDO:0012496, OMIM 610443.

Allele frequency attached by ClinVar (database versions not stated): gnomAD exomes 0.00001.
gnomAD v4.1: 10 of 1,613,614 alleles (0.00062%); highest among the groups gnomAD compares: Non-Finnish European, 0.00076%; no homozygotes.

Submissions (2):

Ambry Genetics
Classification: Uncertain significance for Inborn genetic diseases. Last evaluated: 2026-01-09. Review status: criteria provided, single submitter. Criteria: Ambry Variant Classification Scheme 2023. Collection method: clinical testing. Allele origin: germline.

Labcorp Genetics (formerly Invitae), Labcorp
Classification: Uncertain significance for Koolen-de Vries syndrome. Last evaluated: 2023-05-15. Review status: criteria provided, single submitter. Criteria: Invitae Variant Classification Sherloc (09022015). Collection method: clinical testing. Allele origin: germline.
Comment: In summary, the available evidence is currently insufficient to determine the role of this variant in disease. Therefore, it has been classified as a Variant of Uncertain Significance. Advanced modeling of protein sequence and biophysical properties (such as structural, functional, and spatial information, amino acid conservation, physicochemical variation, residue mobility, and thermodynamic stability) performed at Invitae indicates that this missense variant is not expected to disrupt KANSL1 protein function. ClinVar contains an entry for this variant (Variation ID: 1969011). This variant has not been reported in the literature in individuals affected with KANSL1-related conditions. This variant is not present in population databases (gnomAD no frequency). This sequence change replaces proline, which is neutral and non-polar, with arginine, which is basic and polar, at codon 989 of the KANSL1 protein (p.Pro989Arg).